The following is an entry in ClinVar:

NM_019066.5(MAGEL2):c.1112C>A (p.Thr371Asn)

Gene: MAGEL2 (MAGE family member L2; minus strand). Cytogenetic location: 15q11.2.
Variant type: single nucleotide variant.
Coding change: c.1112C>A on transcript NM_019066.5 (MANE Select); coding-DNA position 1112, C replaced by A.
Protein change: p.Thr371Asn; replaces threonine 371 with asparagine.
Molecular consequence: missense variant.
Genome position (GRCh38, 1-based): chr15:23,646,631, G>T on the plus strand (C>A on the coding strand, the complement: MAGEL2 is on the minus strand). VCF-style: chr15-23646631-G-T. GRCh37 (hg19) VCF-style: chr15-23891778-G-T.
Other names: short protein forms T371N.
Identifiers: ClinVar variation 3681917 (VCV003681917.2).

ClinVar aggregate classification (germline): Uncertain significance (1 of 4 stars; one submission).

Submission:

Labcorp Genetics (formerly Invitae), Labcorp
Classification: Uncertain significance. Last evaluated: 2024-04-20. Review status: criteria provided, single submitter. Criteria: Invitae Variant Classification Sherloc (09022015). Collection method: clinical testing. Allele origin: germline.
Comment: This sequence change replaces threonine, which is neutral and polar, with asparagine, which is neutral and polar, at codon 371 of the MAGEL2 protein (p.Thr371Asn). This variant is not present in population databases (gnomAD no frequency). This variant has not been reported in the literature in individuals affected with MAGEL2-related conditions. Experimental studies and prediction algorithms are not available or were not evaluated, and the functional significance of this variant is currently unknown. In summary, the available evidence is currently insufficient to determine the role of this variant in disease. Therefore, it has been classified as a Variant of Uncertain Significance.